The following is an entry in ClinVar:

NM_000535.7(PMS2):c.2464C>T (p.Leu822Phe)

Gene: PMS2 (PMS1 homolog 2, mismatch repair system component; minus strand). Cytogenetic location: 7p22.1.
Variant type: single nucleotide variant.
Coding change: c.2464C>T on transcript NM_000535.7 (MANE Select); coding-DNA position 2464, C replaced by T.
Protein change: p.Leu822Phe; replaces leucine 822 with phenylalanine.
Molecular consequence: missense variant. On other transcripts: non-coding transcript variant (1).
Genome position (GRCh38, 1-based): chr7:5,973,524, G>A on the plus strand (C>T on the coding strand, the complement: PMS2 is on the minus strand). VCF-style: chr7-5973524-G-A. GRCh37 (hg19) VCF-style: chr7-6013155-G-A.
Other names: c.2059C>T, p.Leu687Phe (NM_001322003.2, NM_001322004.2, NM_001322005.2 and 11 more transcripts); c.2308C>T, p.Leu770Phe (NM_001322006.2); c.2146C>T, p.Leu716Phe (NM_001322007.2, NM_001322008.2, NM_001406883.1); c.2092C>T, p.Leu698Phe (NM_001322009.2, NM_001406887.1, NM_001406888.1); c.1903C>T, p.Leu635Phe (NM_001322010.2, NM_001406906.1, NM_001406907.1); c.1531C>T, p.Leu511Phe (NM_001322011.2, NM_001322012.2); c.1891C>T, p.Leu631Phe (NM_001322013.2, NM_001406908.1, NM_001406909.1); c.2497C>T, p.Leu833Phe (NM_001322014.2); and 20 more; short protein forms L687F, L716F, L822F, L833F, L631F, L635F, L651F, L700F.
Identifiers: ClinVar variation 4667470 (VCV004667470.1).
Genomic context (GRCh38, chr7:5,973,524, plus strand): 5'-TCCAGGGGTGGTCCATCTCCCCCATGTGGGTGATCAGTTTCTTCATCTCGCTTGTGTTAA[G>A]AGCAGTCCCAATCATCACCTGAGTGTGAGACACAATGGTTCAACGTTTTAGTAGTTTTTT-3'
Protein context (NP_000526.2, residues 812-832): CRKSVMIGTA[Leu822Phe]NTSEMKKLIT

ClinVar aggregate classification (germline): Uncertain significance (1 of 4 stars; one submission).

Conditions:
Hereditary cancer-predisposing syndrome. Also called: Neoplastic Syndromes, Hereditary; Tumor predisposition; Hereditary Cancer Syndrome; Hereditary neoplastic syndrome. Identifiers: Orphanet 140162, MedGen C0027672, MeSH D009386, MONDO:0015356.

Submission:

Ambry Genetics
Classification: Uncertain significance for Hereditary cancer-predisposing syndrome. Last evaluated: 2025-10-28. Review status: criteria provided, single submitter. Criteria: Ambry Variant Classification Scheme 2023. Collection method: clinical testing. Allele origin: germline.
Comment: The p.L822F variant (also known as c.2464C>T), located in coding exon 15 of the PMS2 gene, results from a C to T substitution at nucleotide position 2464. The leucine at codon 822 is replaced by phenylalanine, an amino acid with highly similar properties. This amino acid position is conserved. In addition, this alteration is predicted to be deleterious by in silico analysis. Based on the available evidence, the clinical significance of this variant remains unclear.